The following is an entry in ClinVar:

ClinVar aggregate classification (germline): Benign/Likely benign. Review status: criteria provided, multiple submitters, no conflicts (2 of 4 stars). 3 submissions from 3 submitters: Benign (1); Likely benign (2). Last evaluated 2025-05-07.

Conditions:
Tuberous sclerosis 2 (TSC2). Identifiers: Orphanet 805, MedGen C1860707, MONDO:0013199, OMIM 613254.
Hereditary cancer-predisposing syndrome. Also called: Hereditary neoplastic syndrome; Neoplastic Syndromes, Hereditary; Tumor predisposition; Hereditary Cancer Syndrome. Identifiers: Orphanet 140162, MedGen C0027672, MeSH D009386, MONDO:0015356.

Allele frequency attached by ClinVar (database versions not stated): TOPMed below 0.00001; gnomAD 0.00001.
gnomAD v4.1: 1 of 1,614,012 alleles (0.000062%); no homozygotes.

Submissions (3):

Myriad Genetics, Inc.
Classification: Benign for Tuberous sclerosis 2. Last evaluated: 2025-05-07. Review status: criteria provided, single submitter. Criteria: Myriad Autosomal Dominant, Autosomal Recessive and X-Linked Classification Criteria (2023). Collection method: clinical testing. Allele origin: unknown.
Comment: This variant is considered benign. This variant is a silent/synonymous amino acid change and it is not expected to impact splicing.

Ambry Genetics
Classification: Likely benign for Hereditary cancer-predisposing syndrome. Last evaluated: 2025-04-02. Review status: criteria provided, single submitter. Criteria: Ambry Variant Classification Scheme 2023. Collection method: clinical testing. Allele origin: germline.

Labcorp Genetics (formerly Invitae), Labcorp
Classification: Likely benign for Tuberous sclerosis 2. Last evaluated: 2017-02-18. Review status: criteria provided, single submitter. Criteria: Invitae Variant Classification Sherloc (09022015). Collection method: clinical testing. Allele origin: germline.

NM_000548.5(TSC2):c.492C>T (p.Val164=)

Gene: TSC2 (TSC complex subunit 2; plus strand). Cytogenetic location: 16p13.3.
Variant type: single nucleotide variant.
Coding change: c.492C>T on transcript NM_000548.5 (MANE Select); coding-DNA position 492, C replaced by T.
Protein change: p.Val164=; no amino-acid change (valine 164 retained).
Molecular consequence: synonymous variant. On other transcripts: intron variant (1).
Genome position (GRCh38, 1-based): chr16:2,055,412, C>T. VCF-style: chr16-2055412-C-T. GRCh37 (hg19) VCF-style: chr16-2105413-C-T.
Other names: c.492C>T, p.Val164= (NM_001077183.3, NM_001114382.3, NM_001363528.2 and 3 more transcripts); c.381C>T, p.Val127= (NM_001318827.2); c.345C>T, p.Val115= (NM_001318829.2); c.525C>T, p.Val175= (NM_001318832.2); c.-1-784C>T (NM_001318831.2).
Identifiers: ClinVar variation 468120 (VCV000468120.10), dbSNP rs1424637610, ClinGen allele CA492955723.